The following is an entry in ClinVar:

ClinVar aggregate classification (germline): Conflicting classifications of pathogenicity. Review status: criteria provided, conflicting classifications (1 of 4 stars). 5 submissions from 5 submitters: Uncertain significance (1); Benign (2); Likely benign (1). 1 of the submissions does not count toward it. Last evaluated 2025-12-31.

Conditions:
Spondyloepimetaphyseal dysplasia-short limb-abnormal calcification syndrome (SMED-SL). Also called: SMED short limb-hand type; SMED type 2; Spondylometaepiphyseal dysplasia short limb-abnormal calcification type; Smed short limb-abnormal calcification type; Spondylometaepiphyseal dysplasia, short limb-hand type; SMED, TYPE II. Identifiers: Orphanet 93358, MedGen C1849011, MONDO:0010077, OMIM 271665.
DDR2-related disorder. Also called: DDR2-related condition.

Allele frequency attached by ClinVar (database versions not stated): gnomAD exomes 0.00036 and 0.00086; ExAC 0.00117; ESP Exome Variant Server 0.00377; gnomAD 0.00379 and 0.00399; TOPMed 0.00424; 1000 Genomes Project 30x 0.00484; 1000 Genomes Project 0.00519.
gnomAD v4.1: 1,128 of 1,613,996 alleles (0.07%); highest among the groups gnomAD compares: African/African-American, 1.3%; 9 homozygotes.

Submissions (5):

Labcorp Genetics (formerly Invitae), Labcorp
Classification: Benign. Last evaluated: 2025-12-31. Review status: criteria provided, single submitter. Criteria: Invitae Variant Classification Sherloc (09022015). Collection method: clinical testing. Allele origin: germline.

Blueprint Genetics
Classification: Likely benign. Last evaluated: 2024-11-11. Review status: criteria provided, single submitter. Criteria: ACMG Guidelines, 2015. Collection method: clinical testing. Allele origin: germline.

ARUP Laboratories, Molecular Genetics and Genomics, ARUP Laboratories
Classification: Benign. Last evaluated: 2024-10-23. Review status: criteria provided, single submitter. Criteria: ARUP Molecular Germline Variant Investigation Process 2024. Collection method: clinical testing. Allele origin: germline.

Illumina Laboratory Services, Illumina
Classification: Uncertain significance for Spondyloepimetaphyseal dysplasia-short limb-abnormal calcification syndrome. Last evaluated: 2018-01-13. Review status: criteria provided, single submitter. Criteria: ICSL Variant Classification Criteria 13 December 2019. Collection method: clinical testing. Allele origin: germline.

PreventionGenetics, part of Exact Sciences
Classification: Benign for DDR2-related condition. Last evaluated: 2019-10-16. Review status: no assertion criteria provided. Collection method: clinical testing. Allele origin: germline. Not counted in ClinVar's aggregate classification.
Comment: This variant is classified as benign based on ACMG/AMP sequence variant interpretation guidelines (Richards et al. 2015 PMID: 25741868, with internal and published modifications).

NM_006182.4(DDR2):c.510C>T (p.Thr170=)

Gene: DDR2 (discoidin domain receptor tyrosine kinase 2; plus strand). Cytogenetic location: 1q23.3.
Variant type: single nucleotide variant.
Coding change: c.510C>T on transcript NM_006182.4 (MANE Select); coding-DNA position 510, C replaced by T.
Protein change: p.Thr170=; no amino-acid change (threonine 170 retained).
Molecular consequence: synonymous variant.
Genome position (GRCh38, 1-based): chr1:162,755,248, C>T. VCF-style: chr1-162755248-C-T. GRCh37 (hg19) VCF-style: chr1-162725038-C-T.
Other names: c.510C>T, p.Thr170= (NM_001014796.3, NM_001354982.2, NM_001354983.2 and 1 more transcripts).
Identifiers: ClinVar variation 259934 (VCV000259934.19), dbSNP rs56313008, ClinGen allele CA1217262.